The following is an entry in ClinVar:

NM_080473.5(GATA5):c.202G>C (p.Ala68Pro)

Gene: GATA5 (GATA binding protein 5; minus strand). Cytogenetic location: 20q13.33.
Variant type: single nucleotide variant.
Coding change: c.202G>C on transcript NM_080473.5 (MANE Select); coding-DNA position 202, G replaced by C.
Protein change: p.Ala68Pro; replaces alanine 68 with proline.
Molecular consequence: missense variant.
Genome position (GRCh38, 1-based): chr20:62,475,320, C>G on the plus strand (G>C on the coding strand, the complement: GATA5 is on the minus strand). VCF-style: chr20-62475320-C-G. GRCh37 (hg19) VCF-style: chr20-61050376-C-G.
Other names: short protein forms A68P.
Identifiers: ClinVar variation 1357327 (VCV001357327.8), dbSNP rs2146490622, ClinGen allele CA409557462.

ClinVar aggregate classification (germline): Uncertain significance (1 of 4 stars; one submission).

Submission:

Labcorp Genetics (formerly Invitae), Labcorp
Classification: Uncertain significance. Last evaluated: 2021-05-30. Review status: criteria provided, single submitter. Criteria: Invitae Variant Classification Sherloc (09022015). Collection method: clinical testing. Allele origin: germline.
Comment: In summary, the available evidence is currently insufficient to determine the role of this variant in disease. Therefore, it has been classified as a Variant of Uncertain Significance. Algorithms developed to predict the effect of missense changes on protein structure and function (SIFT, PolyPhen-2, Align-GVGD) all suggest that this variant is likely to be tolerated, but these predictions have not been confirmed by published functional studies and their clinical significance is uncertain. This variant has not been reported in the literature in individuals with GATA5-related conditions. The frequency data for this variant in the population databases is considered unreliable, as metrics indicate insufficient coverage at this position in the ExAC database. This sequence change replaces alanine with proline at codon 68 of the GATA5 protein (p.Ala68Pro). The alanine residue is weakly conserved and there is a small physicochemical difference between alanine and proline.